The following is an entry in ClinVar:

NM_001134793.2(HYLS1):c.468A>G (p.Leu156=)

Genes: HYLS1 (HYLS1 centriolar and ciliogenesis associated; plus strand), PUS3 (pseudouridine synthase 3; minus strand). Cytogenetic location: 11q24.2.
Variant type: single nucleotide variant.
Coding change: c.468A>G on transcript NM_001134793.2 (MANE Select); coding-DNA position 468, A replaced by G.
Protein change: p.Leu156=; no amino-acid change (leucine 156 retained).
Molecular consequence: synonymous variant. On other transcripts: intron variant (2).
Genome position (GRCh38, 1-based): chr11:125,899,836, A>G. VCF-style: chr11-125899836-A-G. GRCh37 (hg19) VCF-style: chr11-125769731-A-G.
Other names: c.468A>G, p.Leu156= (NM_001377269.1, NM_001377270.1, NM_001424364.1 and 1 more transcripts); c.-247+3334T>C (NM_001271985.2); c.-47+3334T>C (NM_031307.4).
Identifiers: ClinVar variation 303365 (VCV000303365.45), dbSNP rs138284572, ClinGen allele CA6350714.
Genomic context (GRCh38, chr11:125,899,836, plus strand): 5'-GAATGTACAGTTCCAGGAAGACAAGGAATCTTCATTTGATGTTTCACAAAAATTTAACCT[A>G]CCACATGAATACCAAGGAATTTCTCAAGATCAGCTCATTTGCTCTCTACAAAGAGAAGGA-3'
Protein context (NP_001128265.1, residues 146-166): SSFDVSQKFN[Leu156=]PHEYQGISQD

ClinVar aggregate classification (germline): Benign/Likely benign. Review status: criteria provided, multiple submitters, no conflicts (2 of 4 stars). 5 submissions from 5 submitters: Benign (2); Likely benign (2). 1 of the submissions does not count toward it. Last evaluated 2026-01-28.

Conditions:
Hydrolethalus syndrome. Identifiers: Orphanet 2189, MedGen C2931104, MONDO:0006037.

Allele frequency attached by ClinVar (database versions not stated): 1000 Genomes Project 0.00040; 1000 Genomes Project 30x 0.00062; gnomAD 0.00148 and 0.00151; ESP Exome Variant Server 0.00177; gnomAD exomes 0.00180 and 0.00229; ExAC 0.00185; TOPMed 0.00190.
gnomAD v4.1: 2,963 of 1,614,210 alleles (0.18%); highest among the groups gnomAD compares: Middle Eastern, 2.4%; 11 homozygotes.

Submissions (5):

Labcorp Genetics (formerly Invitae), Labcorp
Classification: Benign. Last evaluated: 2026-01-28. Review status: criteria provided, single submitter. Criteria: Invitae Variant Classification Sherloc (09022015). Collection method: clinical testing. Allele origin: germline.

CeGaT Center for Human Genetics Tuebingen
Classification: Likely benign. Last evaluated: 2026-01-01. Review status: criteria provided, single submitter. Criteria: CeGaT Center For Human Genetics Tuebingen Variant Classification Criteria Version 2. Collection method: clinical testing. Allele origin: germline. Affected: yes. Observed: 8 variant alleles.
Comment: HYLS1: BP4, BP7

Blueprint Genetics
Classification: Likely benign. Last evaluated: 2024-11-27. Review status: criteria provided, single submitter. Criteria: ACMG Guidelines, 2015. Collection method: clinical testing. Allele origin: germline.

Breakthrough Genomics
Classification: Benign. Review status: criteria provided, single submitter. Criteria: ACMG Guidelines, 2015. Collection method: not provided. Allele origin: germline. Inheritance: Autosomal recessive inheritance. Affected: yes.

Natera, Inc.
Classification: Benign for Hydrolethalus syndrome. Last evaluated: 2020-04-13. Review status: no assertion criteria provided. Collection method: clinical testing. Allele origin: germline. Not counted in ClinVar's aggregate classification.